The following is an entry in ClinVar:

NM_003982.4(SLC7A7):c.1094A>G (p.Asn365Ser)

Gene: SLC7A7 (solute carrier family 7 member 7; minus strand). Cytogenetic location: 14q11.2.
Variant type: single nucleotide variant.
Coding change: c.1094A>G on transcript NM_003982.4 (MANE Select); coding-DNA position 1094, A replaced by G.
Protein change: p.Asn365Ser; replaces asparagine 365 with serine.
Molecular consequence: missense variant.
Genome position (GRCh38, 1-based): chr14:22,775,445, T>C on the plus strand (A>G on the coding strand, the complement: SLC7A7 is on the minus strand). VCF-style: chr14-22775445-T-C. GRCh37 (hg19) VCF-style: chr14-23244654-T-C.
Other names: c.1094A>G, p.Asn365Ser (NM_001126105.3, NM_001126106.4); short protein forms N365S.
Identifiers: ClinVar variation 2140564 (VCV002140564.1), dbSNP rs775426220, ClinGen allele CA7104496.

ClinVar aggregate classification (germline): Uncertain significance (1 of 4 stars; one submission).

Conditions:
Lysinuric protein intolerance (LPI). Identifiers: Orphanet 470, MedGen C0268647, MONDO:0009109, OMIM 222700.

Allele frequency attached by ClinVar (database versions not stated): ExAC 0.00001; gnomAD 0.00001; TOPMed 0.00001.
gnomAD v4.1: 19 of 1,613,130 alleles (0.0012%); highest among the groups gnomAD compares: East Asian, 0.0045%; no homozygotes.

Submission:

Labcorp Genetics (formerly Invitae), Labcorp
Classification: Uncertain significance for Lysinuric protein intolerance. Last evaluated: 2022-04-08. Review status: criteria provided, single submitter. Criteria: Invitae Variant Classification Sherloc (09022015). Collection method: clinical testing. Allele origin: germline.
Comment: This sequence change replaces asparagine, which is neutral and polar, with serine, which is neutral and polar, at codon 365 of the SLC7A7 protein (p.Asn365Ser). This variant is present in population databases (rs775426220, gnomAD 0.01%). This variant has not been reported in the literature in individuals affected with SLC7A7-related conditions. Algorithms developed to predict the effect of missense changes on protein structure and function (SIFT, PolyPhen-2, Align-GVGD) all suggest that this variant is likely to be tolerated. Algorithms developed to predict the effect of sequence changes on RNA splicing suggest that this variant may disrupt the consensus splice site. In summary, the available evidence is currently insufficient to determine the role of this variant in disease. Therefore, it has been classified as a Variant of Uncertain Significance.